The following is an entry in ClinVar:

NM_000051.4(ATM):c.204T>C (p.Ile68=)

Gene: ATM (ATM serine/threonine kinase; plus strand). Cytogenetic location: 11q22.3.
Variant type: single nucleotide variant.
Coding change: c.204T>C on transcript NM_000051.4 (MANE Select); coding-DNA position 204, T replaced by C.
Protein change: p.Ile68=; no amino-acid change (isoleucine 68 retained).
Molecular consequence: synonymous variant.
Genome position (GRCh38, 1-based): chr11:108,229,196, T>C. VCF-style: chr11-108229196-T-C. GRCh37 (hg19) VCF-style: chr11-108099923-T-C.
Other names: c.204T>C, p.Ile68= (NM_001351834.2, NM_001351835.2, NM_001351836.2).
Identifiers: ClinVar variation 3254126 (VCV003254126.1), dbSNP rs2078883151.

ClinVar aggregate classification (germline): Benign (1 of 4 stars; one submission).

Conditions:
Familial cancer of breast. Also called: BREAST CANCER, FAMILIAL; Hereditary breast cancer; hereditary breast carcinoma. Identifiers: Orphanet 227535, MedGen C0346153, MONDO:0016419, OMIM 114480. Disease mechanism: loss of function.

Submission:

Myriad Genetics, Inc.
Classification: Benign for Familial cancer of breast. Last evaluated: 2024-04-18. Review status: criteria provided, single submitter. Criteria: Myriad Autosomal Dominant, Autosomal Recessive and X-Linked Classification Criteria (2023). Collection method: clinical testing. Allele origin: unknown.
Comment: This variant is considered benign. This variant is a silent/synonymous amino acid change and it is not expected to impact splicing.